The following is an entry in ClinVar:

ClinVar aggregate classification (germline): Uncertain significance (1 of 4 stars; one submission).

Conditions:
Pitt-Hopkins-like syndrome 2 (PTHSL2). Identifiers: Orphanet 221150, Orphanet 600663, MedGen C3280479, MONDO:0013690, OMIM 614325.

gnomAD v4.1: 1 of 1,613,844 alleles (0.000062%); highest among the groups gnomAD compares: Non-Finnish European, 0.000085%; no homozygotes.

Submission:

Labcorp Genetics (formerly Invitae), Labcorp
Classification: Uncertain significance for Pitt-Hopkins-like syndrome 2. Last evaluated: 2023-12-18. Review status: criteria provided, single submitter. Criteria: Invitae Variant Classification Sherloc (09022015). Collection method: clinical testing. Allele origin: germline.
Comment: This sequence change replaces leucine, which is neutral and non-polar, with methionine, which is neutral and non-polar, at codon 606 of the NRXN1 protein (p.Leu606Met). This variant is present in population databases (no rsID available, gnomAD 0.0009%). This variant has not been reported in the literature in individuals affected with NRXN1-related conditions. ClinVar contains an entry for this variant (Variation ID: 858800). An algorithm developed to predict the effect of missense changes on protein structure and function (PolyPhen-2) suggests that this variant is likely to be tolerated. In summary, the available evidence is currently insufficient to determine the role of this variant in disease. Therefore, it has been classified as a Variant of Uncertain Significance.

NM_001330078.2(NRXN1):c.1696C>A (p.Leu566Met)

Gene: NRXN1 (neurexin 1; minus strand). Cytogenetic location: 2p16.3.
Variant type: single nucleotide variant.
Coding change: c.1696C>A on transcript NM_001330078.2 (MANE Select); coding-DNA position 1696, C replaced by A.
Protein change: p.Leu566Met; replaces leucine 566 with methionine.
Molecular consequence: missense variant.
Genome position (GRCh38, 1-based): chr2:50,552,650, G>T on the plus strand (C>A on the coding strand, the complement: NRXN1 is on the minus strand). VCF-style: chr2-50552650-G-T. GRCh37 (hg19) VCF-style: chr2-50779788-G-T.
Other names: c.1816C>A, p.Leu606Met (NM_001135659.3); c.1672C>A, p.Leu558Met (NM_001330077.2, NM_001330082.2, NM_001330095.2); c.1657C>A, p.Leu553Met (NM_001330083.2, NM_001330084.2); c.1696C>A, p.Leu566Met (NM_001330085.2, NM_001330086.2, NM_004801.6); c.1612C>A, p.Leu538Met (NM_001330087.2, NM_001330096.2); c.1642C>A, p.Leu548Met (NM_001330088.2); c.1693C>A, p.Leu565Met (NM_001330093.2); c.1684C>A, p.Leu562Met (NM_001330094.2); short protein forms L538M, L558M, L566M, L565M, L553M, L606M, L548M, L562M.
Identifiers: ClinVar variation 858800 (VCV000858800.9), dbSNP rs754703742, ClinGen allele CA346772973.